The following is an entry in ClinVar:

NM_005559.4(LAMA1):c.491A>G (p.Asn164Ser)

Gene: LAMA1 (laminin subunit alpha 1; minus strand). Cytogenetic location: 18p11.31.
Variant type: single nucleotide variant.
Coding change: c.491A>G on transcript NM_005559.4 (MANE Select); coding-DNA position 491, A replaced by G.
Protein change: p.Asn164Ser; replaces asparagine 164 with serine.
Molecular consequence: missense variant.
Genome position (GRCh38, 1-based): chr18:7,050,791, T>C on the plus strand (A>G on the coding strand, the complement: LAMA1 is on the minus strand). VCF-style: chr18-7050791-T-C. GRCh37 (hg19) VCF-style: chr18-7050790-T-C.
Other names: short protein forms N164S.
Identifiers: ClinVar variation 1967573 (VCV001967573.5), dbSNP rs1246793419, ClinGen allele CA401842932.

ClinVar aggregate classification (germline): Uncertain significance (1 of 4 stars; one submission).

Allele frequency attached by ClinVar (database versions not stated): gnomAD exomes below 0.00001.
gnomAD v4.1: 3 of 1,614,154 alleles (0.00019%); highest among the groups gnomAD compares: Admixed American, 0.0017%; no homozygotes.

Submission:

Labcorp Genetics (formerly Invitae), Labcorp
Classification: Uncertain significance. Last evaluated: 2023-09-13. Review status: criteria provided, single submitter. Criteria: Invitae Variant Classification Sherloc (09022015). Collection method: clinical testing. Allele origin: germline.
Comment: This sequence change replaces asparagine, which is neutral and polar, with serine, which is neutral and polar, at codon 164 of the LAMA1 protein (p.Asn164Ser). This variant is present in population databases (no rsID available, gnomAD 0.003%). This variant has not been reported in the literature in individuals affected with LAMA1-related conditions. ClinVar contains an entry for this variant (Variation ID: 1967573). An algorithm developed to predict the effect of missense changes on protein structure and function (PolyPhen-2) suggests that this variant is likely to be disruptive. Algorithms developed to predict the effect of sequence changes on RNA splicing suggest that this variant may create or strengthen a splice site. In summary, the available evidence is currently insufficient to determine the role of this variant in disease. Therefore, it has been classified as a Variant of Uncertain Significance.